The following is an entry in ClinVar:

ClinVar aggregate classification (germline): Uncertain significance. Review status: criteria provided, multiple submitters, no conflicts (2 of 4 stars). 4 submissions from 4 submitters: Uncertain significance (4). Last evaluated 2024-02-22.

Conditions:
Hereditary cancer-predisposing syndrome. Also called: Neoplastic Syndromes, Hereditary; Tumor predisposition; Hereditary Cancer Syndrome; Hereditary neoplastic syndrome. Identifiers: Orphanet 140162, MedGen C0027672, MeSH D009386, MONDO:0015356.
Familial cancer of breast. Also called: hereditary breast carcinoma; BREAST CANCER, FAMILIAL; Hereditary breast cancer. Identifiers: Orphanet 227535, MedGen C0346153, MONDO:0016419, OMIM 114480. Disease mechanism: loss of function.
Ataxia-telangiectasia syndrome (AT). Also called: ATAXIA-TELANGIECTASIA, COMPLEMENTATION GROUP A; ATAXIA-TELANGIECTASIA, FRESNO VARIANT; Ataxia-telangiectasia; Ataxia-telangiectasia, complementation group D; AT, COMPLEMENTATION GROUP C; Ataxia-telangiectasia, complementation group E. Identifiers: Orphanet 100, MedGen C0004135, MONDO:0008840, OMIM 208900.

Submissions (4):

Ambry Genetics
Classification: Uncertain significance for Hereditary cancer-predisposing syndrome. Last evaluated: 2024-02-22. Review status: criteria provided, single submitter. Criteria: Ambry Variant Classification Scheme 2023. Collection method: clinical testing. Allele origin: germline.
Comment: The p.K102I variant (also known as c.305A>T), located in coding exon 3 of the ATM gene, results from an A to T substitution at nucleotide position 305. The lysine at codon 102 is replaced by isoleucine, an amino acid with dissimilar properties. This amino acid position is well conserved in available vertebrate species. In addition, the in silico prediction for this alteration is inconclusive. Based on the available evidence, the clinical significance of this alteration remains unclear.

Baylor Genetics
Classification: Uncertain significance for Familial cancer of breast. Last evaluated: 2023-07-01. Review status: criteria provided, single submitter. Criteria: ACMG Guidelines, 2015. Collection method: clinical testing. Allele origin: unknown.

Labcorp Genetics (formerly Invitae), Labcorp
Classification: Uncertain significance for Ataxia-telangiectasia syndrome. Last evaluated: 2022-12-24. Review status: criteria provided, single submitter. Criteria: Invitae Variant Classification Sherloc (09022015). Collection method: clinical testing. Allele origin: germline.
Comment: In summary, the available evidence is currently insufficient to determine the role of this variant in disease. Therefore, it has been classified as a Variant of Uncertain Significance. Advanced modeling of protein sequence and biophysical properties (such as structural, functional, and spatial information, amino acid conservation, physicochemical variation, residue mobility, and thermodynamic stability) performed at Invitae indicates that this missense variant is not expected to disrupt ATM protein function. ClinVar contains an entry for this variant (Variation ID: 524256). This variant has not been reported in the literature in individuals affected with ATM-related conditions. This variant is not present in population databases (gnomAD no frequency). This sequence change replaces lysine, which is basic and polar, with isoleucine, which is neutral and non-polar, at codon 102 of the ATM protein (p.Lys102Ile).

Genome-Nilou Lab
Classification: Uncertain significance for Ataxia-telangiectasia syndrome. Last evaluated: 2021-05-18. Review status: criteria provided, single submitter. Criteria: ACMG Guidelines, 2015. Collection method: clinical testing. Allele origin: germline. Affected: no.

NM_000051.4(ATM):c.305A>T (p.Lys102Ile)

Gene: ATM (ATM serine/threonine kinase; plus strand). Cytogenetic location: 11q22.3.
Variant type: single nucleotide variant.
Coding change: c.305A>T on transcript NM_000051.4 (MANE Select); coding-DNA position 305, A replaced by T.
Protein change: p.Lys102Ile; replaces lysine 102 with isoleucine.
Molecular consequence: missense variant.
Genome position (GRCh38, 1-based): chr11:108,229,297, A>T. VCF-style: chr11-108229297-A-T. GRCh37 (hg19) VCF-style: chr11-108100024-A-T.
Other names: c.305A>T, p.Lys102Ile (NM_001351834.2, NM_001351835.2, NM_001351836.2); short protein forms K102I.
Identifiers: ClinVar variation 524256 (VCV000524256.14), dbSNP rs1555055293, ClinGen allele CA382521746.